The following is an entry in ClinVar:

NM_172250.3(MMAA):c.800C>T (p.Ala267Val)

Gene: MMAA (metabolism of cobalamin associated A; plus strand). Cytogenetic location: 4q31.21.
Variant type: single nucleotide variant.
Coding change: c.800C>T on transcript NM_172250.3 (MANE Select); coding-DNA position 800, C replaced by T.
Protein change: p.Ala267Val; replaces alanine 267 with valine.
Molecular consequence: missense variant.
Genome position (GRCh38, 1-based): chr4:145,651,128, C>T. VCF-style: chr4-145651128-C-T. GRCh37 (hg19) VCF-style: chr4-146572280-C-T.
Other names: short protein forms A267V.
Identifiers: ClinVar variation 466218 (VCV000466218.11), dbSNP rs138854691, ClinGen allele CA3095269.

ClinVar aggregate classification (germline): Uncertain significance. Review status: criteria provided, multiple submitters, no conflicts (2 of 4 stars). 4 submissions from 4 submitters: Uncertain significance (3). 1 of the submissions does not count toward it. Last evaluated 2022-10-31.

Conditions:
Methylmalonic aciduria, cblA type (MACA). Also called: Methylmalonic aciduria, vitamin B12-responsive; Methylmalonic aciduria, vitamin b12-responsive, due to defect in synthesis of adenosylcobalamin, cbla complementation type; MMA cbl A type; Methylmalonic acidemia cblA type; Vitamin B12-responsive methylmalonic acidemia type cblA. Identifiers: Orphanet 28, Orphanet 79310, MedGen C1855109, MONDO:0009613, OMIM 251100.

Allele frequency attached by ClinVar (database versions not stated): TOPMed 0.00011; ExAC 0.00014; ESP Exome Variant Server 0.00023.

Submissions (6):

Labcorp Genetics (formerly Invitae), Labcorp
Classification: Uncertain significance for Methylmalonic aciduria, cblA type. Last evaluated: 2022-10-31. Review status: criteria provided, single submitter. Criteria: Invitae Variant Classification Sherloc (09022015). Collection method: clinical testing. Allele origin: germline.
Comment: This sequence change replaces alanine, which is neutral and non-polar, with valine, which is neutral and non-polar, at codon 267 of the MMAA protein (p.Ala267Val). This variant is present in population databases (rs138854691, gnomAD 0.03%). This variant has not been reported in the literature in individuals affected with MMAA-related conditions. ClinVar contains an entry for this variant (Variation ID: 466218). Advanced modeling of protein sequence and biophysical properties (such as structural, functional, and spatial information, amino acid conservation, physicochemical variation, residue mobility, and thermodynamic stability) performed at Invitae indicates that this missense variant is not expected to disrupt MMAA protein function. In summary, the available evidence is currently insufficient to determine the role of this variant in disease. Therefore, it has been classified as a Variant of Uncertain Significance.

Fulgent Genetics
Classification: Uncertain significance for Methylmalonic aciduria, cblA type. Last evaluated: 2021-07-07. Review status: criteria provided, single submitter. Criteria: ACMG Guidelines, 2015. Collection method: clinical testing. Allele origin: unknown.

GeneDx
Classification: Uncertain significance. Last evaluated: 2020-09-24. Review status: criteria provided, single submitter. Criteria: GeneDx Variant Classification Process June 2021. Collection method: clinical testing. Allele origin: germline. Affected: yes.
Comment: In silico analysis supports that this missense variant has a deleterious effect on protein structure/function; Has not been previously published as pathogenic or benign to our knowledge

Natera, Inc.
Classification: Uncertain significance for Methylmalonic aciduria cblA type. Last evaluated: 2020-04-16. Review status: no assertion criteria provided. Collection method: clinical testing. Allele origin: germline. Not counted in ClinVar's aggregate classification.

Dr. Peter K. Rogan Lab, Western University
No classification provided (evidence only). Condition: Clear cell carcinoma of kidney. Review status: no classification provided. Collection method: in vitro. Allele origin: not applicable. Functional consequence: retained intron. Not counted in ClinVar's aggregate classification.

Dr. Peter K. Rogan Lab, Western University
No classification provided (evidence only). Condition: Lung cancer. Review status: no classification provided. Collection method: in vitro. Allele origin: not applicable. Functional consequence: retained intron. Not counted in ClinVar's aggregate classification.